The following is an entry in ClinVar:

ClinVar aggregate classification (germline): Uncertain significance (1 of 4 stars; one submission).

Submission:

Labcorp Genetics (formerly Invitae), Labcorp
Classification: Uncertain significance. Last evaluated: 2021-10-21. Review status: criteria provided, single submitter. Criteria: Invitae Variant Classification Sherloc (09022015). Collection method: clinical testing. Allele origin: germline.
Comment: This sequence change falls in intron 3 of the GNA11 gene. It does not directly change the encoded amino acid sequence of the GNA11 protein. It affects a nucleotide within the consensus splice site. This variant is not present in population databases (ExAC no frequency). This variant has not been reported in the literature in individuals affected with GNA11-related conditions. Variants that disrupt the consensus splice site are a relatively common cause of aberrant splicing (PMID: 17576681, 9536098). Algorithms developed to predict the effect of sequence changes on RNA splicing suggest that this variant may disrupt the consensus splice site. In summary, the available evidence is currently insufficient to determine the role of this variant in disease. Therefore, it has been classified as a Variant of Uncertain Significance.

Literature cited by the submitters: PubMed 17576681; PubMed 9536098.

NM_002067.5(GNA11):c.476+4A>G

Gene: GNA11 (G protein subunit alpha 11; plus strand). Cytogenetic location: 19p13.3.
Variant type: single nucleotide variant.
Coding change: c.476+4A>G on transcript NM_002067.5 (MANE Select); 4 bases into the intron after coding-DNA position 476, A replaced by G.
Molecular consequence: intron variant.
Genome position (GRCh38, 1-based): chr19:3,113,488, A>G. VCF-style: chr19-3113488-A-G. GRCh37 (hg19) VCF-style: chr19-3113486-A-G.
Identifiers: ClinVar variation 1388476 (VCV001388476.6), dbSNP rs747669705, ClinGen allele CA2573155849.